The following is an entry in ClinVar:

NM_004336.5(BUB1):c.902A>C (p.His301Pro)

Gene: BUB1 (BUB1 mitotic checkpoint serine/threonine kinase; minus strand). Cytogenetic location: 2q13.
Variant type: single nucleotide variant.
Coding change: c.902A>C on transcript NM_004336.5 (MANE Select); coding-DNA position 902, A replaced by C.
Protein change: p.His301Pro; replaces histidine 301 with proline.
Molecular consequence: missense variant.
Genome position (GRCh38, 1-based): chr2:110,666,318, T>G on the plus strand (A>C on the coding strand, the complement: BUB1 is on the minus strand). VCF-style: chr2-110666318-T-G. GRCh37 (hg19) VCF-style: chr2-111423895-T-G.
Other names: c.842A>C, p.His281Pro (NM_001278616.2); c.902A>C, p.His301Pro (NM_001278617.2); short protein forms H281P, H301P.
Identifiers: ClinVar variation 3224127 (VCV003224127.1), dbSNP rs769462873, ClinGen allele CA1828219.
Genomic context (GRCh38, chr2:110,666,318, plus strand): 5'-CATACCTCGGACCTTTCCTGGGAAGCGGGCAGATCCTCATGGGATGTCTCCACCACCTGA[T>G]GCAACTTCTTATGAAGTTCATCCATTTTCTGTTTTAATAGCTGTTCTTCAAAAGCATTTG-3'
Protein context (NP_004327.1, residues 291-311): QKMDELHKKL[His301Pro]QVVETSHEDL

ClinVar aggregate classification (germline): Uncertain significance (1 of 4 stars; one submission).

Allele frequency attached by ClinVar (database versions not stated): ExAC 0.00001.

Submission:

Ambry Genetics
Classification: Uncertain significance. Last evaluated: 2023-11-21. Review status: criteria provided, single submitter. Criteria: Ambry Variant Classification Scheme 2023. Collection method: clinical testing. Allele origin: germline.
Comment: The p.H301P variant (also known as c.902A>C), located in coding exon 9 of the BUB1 gene, results from an A to C substitution at nucleotide position 902. The histidine at codon 301 is replaced by proline, an amino acid with similar properties. This amino acid position is conserved. In addition, this alteration is predicted to be tolerated by in silico analysis. Since supporting evidence is limited at this time, the clinical significance of this alteration remains unclear.